The following is an entry in ClinVar:

NM_002601.4(PDE6D):c.223C>T (p.Arg75Cys)

Gene: PDE6D (phosphodiesterase 6D; minus strand). Cytogenetic location: 2q37.1.
Variant type: single nucleotide variant.
Coding change: c.223C>T on transcript NM_002601.4 (MANE Select); coding-DNA position 223, C replaced by T.
Protein change: p.Arg75Cys; replaces arginine 75 with cysteine.
Molecular consequence: missense variant.
Genome position (GRCh38, 1-based): chr2:231,738,055, G>A on the plus strand (C>T on the coding strand, the complement: PDE6D is on the minus strand). VCF-style: chr2-231738055-G-A. GRCh37 (hg19) VCF-style: chr2-232602765-G-A.
Other names: c.223C>T, p.Arg75Cys (NM_001291018.2); short protein forms R75C.
Identifiers: ClinVar variation 4737237 (VCV004737237.1).
Genomic context (GRCh38, chr2:231,738,055, plus strand): 5'-ATGTAGGCAGCAGAATACCTTCTAGGCATTGCCCTTTGAAGTAAACTTTTTGTTCCAGGC[G>A]GAATTTTTCCATTTGTTCTGTCGAAGAAAAATTAAGTTCTCGAGACACTGCCTTGCACTT-3'
Protein context (NP_002592.1, residues 65-85): FSSTEQMEKF[Arg75Cys]LEQKVYFKGQ

ClinVar aggregate classification (germline): Uncertain significance (1 of 4 stars; one submission).

Conditions:
Joubert syndrome 22 (JBTS22). Identifiers: Orphanet 2754, MedGen C3810278, MONDO:0014297, OMIM 615665.

gnomAD v4.1: 6 of 1,613,724 alleles (0.00037%); highest among the groups gnomAD compares: Admixed American, 0.0017%; no homozygotes.

Submission:

Labcorp Genetics (formerly Invitae), Labcorp
Classification: Uncertain significance for Joubert syndrome 22. Last evaluated: 2025-05-09. Review status: criteria provided, single submitter. Criteria: Invitae Variant Classification Sherloc (09022015). Collection method: clinical testing. Allele origin: germline.
Comment: This sequence change replaces arginine, which is basic and polar, with cysteine, which is neutral and slightly polar, at codon 75 of the PDE6D protein (p.Arg75Cys). This variant is present in population databases (rs758019119, gnomAD 0.0009%). This variant has not been reported in the literature in individuals affected with PDE6D-related conditions. An algorithm developed to predict the effect of missense changes on protein structure and function (PolyPhen-2) suggests that this variant is likely to be tolerated. In summary, the available evidence is currently insufficient to determine the role of this variant in disease. Therefore, it has been classified as a Variant of Uncertain Significance.